The following is an entry in ClinVar:

NM_139242.4(MTFMT):c.645+3A>G

Gene: MTFMT (mitochondrial methionyl-tRNA formyltransferase; minus strand). Cytogenetic location: 15q22.31.
Variant type: single nucleotide variant.
Coding change: c.645+3A>G on transcript NM_139242.4 (MANE Select); 3 bases into the intron after coding-DNA position 645, A replaced by G.
Molecular consequence: intron variant.
Genome position (GRCh38, 1-based): chr15:65,021,511, T>C on the plus strand (A>G on the coding strand, the complement: MTFMT is on the minus strand). VCF-style: chr15-65021511-T-C. GRCh37 (hg19) VCF-style: chr15-65313849-T-C.
Identifiers: ClinVar variation 2083783 (VCV002083783.30), dbSNP rs550446147, ClinGen allele CA7613310.

ClinVar aggregate classification (germline): Conflicting classifications of pathogenicity. Review status: criteria provided, conflicting classifications (1 of 4 stars). 3 submissions from 3 submitters: Likely pathogenic (2); Uncertain significance (1). Last evaluated 2026-01-19.

Conditions:
Mitochondrial complex I deficiency, nuclear type 27. Also called: Mitochondrial complex 1 deficiency, nuclear type 27. Identifiers: MedGen C4748826, MONDO:0032631, OMIM 618248.
Combined oxidative phosphorylation defect type 15. Also called: Combined oxidative phosphorylation deficiency 15. Identifiers: Orphanet 319524, MedGen C4706313, MONDO:0013987, OMIM 614947.

Allele frequency attached by ClinVar (database versions not stated): gnomAD 0.00001; TOPMed 0.00002; ExAC 0.00004; 1000 Genomes Project 0.00040; 1000 Genomes Project 30x 0.00047.
gnomAD v4.1: 21 of 1,604,002 alleles (0.0013%); highest among the groups gnomAD compares: South Asian, 0.02%; no homozygotes.

Submissions (3):

Labcorp Genetics (formerly Invitae), Labcorp
Classification: Uncertain significance. Last evaluated: 2026-01-19. Review status: criteria provided, single submitter. Criteria: Invitae Variant Classification Sherloc (09022015). Collection method: clinical testing. Allele origin: germline.
Comment: This sequence change falls in intron 4 of the MTFMT gene. It does not directly change the encoded amino acid sequence of the MTFMT protein. It affects a nucleotide within the consensus splice site. This variant is present in population databases (rs550446147, gnomAD 0.02%). This variant has not been reported in the literature in individuals affected with MTFMT-related conditions. ClinVar contains an entry for this variant (Variation ID: 2083783). Variants that disrupt the consensus splice site are a relatively common cause of aberrant splicing (PMID: 17576681, 9536098). Algorithms developed to predict the effect of sequence changes on RNA splicing suggest that this variant may disrupt the consensus splice site. In summary, the available evidence is currently insufficient to determine the role of this variant in disease. Therefore, it has been classified as a Variant of Uncertain Significance.

First Genomix Gene Laboratory, Genetic Diagnostics Department
Classification: Likely pathogenic for Combined oxidative phosphorylation defect type 15; Mitochondrial complex I deficiency, nuclear type 27. Last evaluated: 2025-04-30. Review status: criteria provided, single submitter. Criteria: ACMG Guidelines, 2015. Collection method: clinical testing. Allele origin: germline. Inheritance: Autosomal recessive inheritance. Affected: no. Observed: 1 variant allele.

CeGaT Center for Human Genetics Tuebingen
Classification: Likely pathogenic. Last evaluated: 2023-08-01. Review status: criteria provided, single submitter. Criteria: CeGaT Center For Human Genetics Tuebingen Variant Classification Criteria Version 2. Collection method: clinical testing. Allele origin: germline. Affected: yes. Observed: 3 variant alleles.
Comment: MTFMT: PM3:Strong, PM2, PP3

Literature cited by the submitters: PubMed 17576681 (cited by Labcorp Genetics (formerly Invitae), Labcorp); PubMed 9536098 (cited by Labcorp Genetics (formerly Invitae), Labcorp).